The following is an entry in ClinVar:

NM_001204.7(BMPR2):c.1139T>C (p.Ile380Thr)

Gene: BMPR2 (bone morphogenetic protein receptor type 2; plus strand). Cytogenetic location: 2q33.2.
Variant type: single nucleotide variant.
Coding change: c.1139T>C on transcript NM_001204.7 (MANE Select); coding-DNA position 1139, T replaced by C.
Protein change: p.Ile380Thr; replaces isoleucine 380 with threonine.
Molecular consequence: missense variant.
Genome position (GRCh38, 1-based): chr2:202,532,595, T>C. VCF-style: chr2-202532595-T-C. GRCh37 (hg19) VCF-style: chr2-203397318-T-C.
Other names: short protein forms I380T.
Identifiers: ClinVar variation 4214427 (VCV004214427.1).

ClinVar aggregate classification (germline): Uncertain significance (1 of 4 stars; one submission).

Conditions:
Inborn genetic diseases. Identifiers: MedGen C0950123, MeSH D030342.

Submission:

Ambry Genetics
Classification: Uncertain significance for Inborn genetic diseases. Last evaluated: 2025-07-03. Review status: criteria provided, single submitter. Criteria: Ambry Variant Classification Scheme 2023. Collection method: clinical testing. Allele origin: germline.
Comment: The p.I380T variant (also known as c.1139T>C), located in coding exon 9 of the BMPR2 gene, results from a T to C substitution at nucleotide position 1139. The isoleucine at codon 380 is replaced by threonine, an amino acid with similar properties. This amino acid position is conserved. In addition, this alteration is predicted to be deleterious by in silico analysis. Based on the available evidence, the clinical significance of this variant remains unclear.